The following is an entry in ClinVar:

ClinVar aggregate classification (germline): Uncertain significance (1 of 4 stars; one submission).

Conditions:
Hereditary cancer-predisposing syndrome. Also called: Neoplastic Syndromes, Hereditary; Hereditary Cancer Syndrome; Hereditary neoplastic syndrome; Tumor predisposition. Identifiers: Orphanet 140162, MedGen C0027672, MeSH D009386, MONDO:0015356.

Submission:

Ambry Genetics
Classification: Uncertain significance for Hereditary cancer-predisposing syndrome. Last evaluated: 2023-05-19. Review status: criteria provided, single submitter. Criteria: Ambry Variant Classification Scheme 2023. Collection method: clinical testing. Allele origin: germline.
Comment: The p.K1084Q variant (also known as c.3250A>C), located in coding exon 23 of the MSH3 gene, results from an A to C substitution at nucleotide position 3250. The lysine at codon 1084 is replaced by glutamine, an amino acid with similar properties. This amino acid position is conserved. In addition, this alteration is predicted to be tolerated by in silico analysis. Since supporting evidence is limited at this time, the clinical significance of this alteration remains unclear.

NM_002439.5(MSH3):c.3250A>C (p.Lys1084Gln)

Gene: MSH3 (mutS homolog 3; plus strand). Cytogenetic location: 5q14.1.
Variant type: single nucleotide variant.
Coding change: c.3250A>C on transcript NM_002439.5 (MANE Select); coding-DNA position 3250, A replaced by C.
Protein change: p.Lys1084Gln; replaces lysine 1084 with glutamine.
Molecular consequence: missense variant.
Genome position (GRCh38, 1-based): chr5:80,873,235, A>C. VCF-style: chr5-80873235-A-C. GRCh37 (hg19) VCF-style: chr5-80169054-A-C.
Other names: short protein forms K1084Q.
Identifiers: ClinVar variation 2565676 (VCV002565676.2), dbSNP rs2478805411, ClinGen allele CA360347026.